The following is an entry in ClinVar:

NM_001278116.2(L1CAM):c.1380-1G>A

Gene: L1CAM (L1 cell adhesion molecule; minus strand). Cytogenetic location: Xq28.
Variant type: single nucleotide variant.
Coding change: c.1380-1G>A on transcript NM_001278116.2 (MANE Select); the canonical splice acceptor site of the intron before coding-DNA position 1380, G replaced by A.
Molecular consequence: splice acceptor variant.
Genome position (GRCh38, 1-based): chrX:153,868,728, C>T on the plus strand (G>A on the coding strand, the complement: L1CAM is on the minus strand). VCF-style: chrX-153868728-C-T. GRCh37 (hg19) VCF-style: chrX-153134183-C-T.
Other names: c.1365-1G>A (NM_001143963.2); c.1380-1G>A (NM_024003.3, NM_000425.5).
Identifiers: ClinVar variation 3893228 (VCV003893228.2).

ClinVar aggregate classification (germline): Pathogenic (1 of 4 stars; one submission).

Conditions:
X-linked hydrocephalus syndrome (HYCX). Also called: X-Linked Hydrocephalus with Stenosis of the Aqueduct of Sylvius (HSAS); HYDROCEPHALUS, CONGENITAL, X-LINKED; AQUEDUCTAL STENOSIS, X-LINKED; X-Linked Hydrocephalus with Stenosis of the Aqueduct of Sylvius; X-linked hydrocephalus. Identifiers: Orphanet 2182, MedGen C0265216, MONDO:0010611, OMIM 307000.

Submission:

Deyang Key Laboratory of Birth Defects Prevention and Control, Deyang People's Hospital
Classification: Pathogenic for X-linked hydrocephalus syndrome. Last evaluated: 2021-07-10. Review status: criteria provided, single submitter. Criteria: ACMG Guidelines, 2015. Collection method: clinical testing, in vitro. Allele origin: germline, unknown, not applicable. Inheritance: X-linked recessive inheritance. Affected: yes and no. Observed: 1 heterozygote, 1 hemizygote. Functional consequence: sequence_variant_causes_exon_loss.
Comment: According to Standards and Guidelines for Interpretation of Sequence Variants, the canonical splice site variant was Pathogenic Very Strong (PVS1). The variant was not found in the normal population database and thus classified as Pathogenic Moderate (PM2). And co-segregation of the variant in the pedigrees with the mother and fetus as Pathogenic Supporting (PP1). The mutiple bioinformatics analysis predicted a transition of the splicing site of intron 11 impair acceptor and create acceptor shift, which critically disturbs conventional pre-mRNA splicing site as Pathogenic Supporting (PP3). Such variant was classified as pathogenic (PVS1 + PM2 + PP1 + PP3) as assessed by the standards and guidelines for the interpretation of sequence variants.